The following is an entry in ClinVar:

NR_003051.3(RMRP):n.-5delGinsAACGTGGTCTCTGTGAAGCTGAGA

Gene: RMRP (RNA component of mitochondrial RNA processing endoribonuclease; minus strand). Cytogenetic location: 9p13.3.
Variant type: Indel.
Genome position: GRCh38 VCF-style: chr9-35658023-C-TCTCAGCTTCACAGAGACCACGTT. GRCh37 (hg19) VCF-style: chr9-35658020-C-TCTCAGCTTCACAGAGACCACGTT.
Identifiers: ClinVar variation 4817188 (VCV004817188.1).

ClinVar aggregate classification (germline): Likely pathogenic (1 of 4 stars; one submission).

Conditions:
Metaphyseal chondrodysplasia, McKusick type (CHH). Also called: Cartilage-hair hypoplasia; Cartilage-Hair Hypoplasia (CHH). Identifiers: Orphanet 175, MedGen C0220748, MONDO:0009595, OMIM 250250.

Submission:

Natera, Inc.
Classification: Likely pathogenic for Cartilage-hair hypoplasia. Last evaluated: 2025-12-23. Review status: criteria provided, single submitter. Criteria: Natera Variant Classification Schema (03/2026). Collection method: clinical testing. Allele origin: germline.
Comment: The n.-5delGinsAACGTGGTCTCTGTGAAGCTGAGA variant in RMRP is an insertion affecting the RMRP promoter region between the TATA box and the transcription initiation site. Other duplications and insertions just upstream of the transcription initiation site have been reported in individuals affected with cartilage-hair hypoplasia (PMID: 11207361, 17937437). This variant is rare in the general population with a frequency below the threshold expected for the associated phenotype(s). Given the available evidence, this variant is classified as Likely pathogenic.

Literature cited by the submitters: PubMed 11207361; PubMed 17937437.